The following is an entry in ClinVar:

NM_000038.6(APC):c.6273T>A (p.Gly2091=)

Gene: APC (APC regulator of Wnt signaling pathway; plus strand). Cytogenetic location: 5q22.2.
Variant type: single nucleotide variant.
Coding change: c.6273T>A on transcript NM_000038.6 (MANE Select); coding-DNA position 6273, T replaced by A.
Protein change: p.Gly2091=; no amino-acid change (glycine 2091 retained).
Molecular consequence: synonymous variant.
Genome position (GRCh38, 1-based): chr5:112,841,867, T>A. VCF-style: chr5-112841867-T-A. GRCh37 (hg19) VCF-style: chr5-112177564-T-A.
Other names: c.6219T>A, p.Gly2073= (NM_001127511.3); c.6273T>A, p.Gly2091= (NM_001354895.2, NM_001127510.3); c.6327T>A, p.Gly2109= (NM_001354896.2); c.6303T>A, p.Gly2101= (NM_001354897.2); c.6150T>A, p.Gly2050= (NM_001354900.2); c.6096T>A, p.Gly2032= (NM_001354901.2); c.6000T>A, p.Gly2000= (NM_001354902.2); c.6189T>A, p.Gly2063= (NM_001354899.2); and 5 more.
Identifiers: ClinVar variation 919795 (VCV000919795.4), dbSNP rs368356944, ClinGen allele CA446209498.
Genomic context (GRCh38, chr5:112,841,867, plus strand): 5'-ATTAGGTGAAGATCTGACACTTGATTTGAAAGATATACAGAGACCAGATTCAGAACATGG[T>A]CTATCCCCTGATTCAGAAAATTTTGATTGGAAAGCTATTCAGGAAGGTGCAAATTCCATA-3'
Protein context (NP_000029.2, residues 2081-2101): KDIQRPDSEH[Gly2091=]LSPDSENFDW

ClinVar aggregate classification (germline): Benign/Likely benign. Review status: criteria provided, multiple submitters, no conflicts (2 of 4 stars). 3 submissions from 3 submitters: Benign (1); Likely benign (2). Last evaluated 2025-08-21.

Conditions:
Hereditary cancer-predisposing syndrome. Also called: Neoplastic Syndromes, Hereditary; Tumor predisposition; Hereditary Cancer Syndrome; Hereditary neoplastic syndrome. Identifiers: Orphanet 140162, MedGen C0027672, MeSH D009386, MONDO:0015356.
Familial adenomatous polyposis 1 (FAP1). Also called: FAMILIAL ADENOMATOUS POLYPOSIS 1, ATTENUATED; POLYPOSIS, ADENOMATOUS INTESTINAL. Identifiers: MedGen C2713442, MONDO:0021056, OMIM 175100. Disease mechanism: loss of function.

Submissions (3):

Ambry Genetics
Classification: Likely benign for Hereditary cancer-predisposing syndrome. Last evaluated: 2025-08-21. Review status: criteria provided, single submitter. Criteria: Ambry Variant Classification Scheme 2023. Collection method: clinical testing. Allele origin: germline.

Myriad Genetics, Inc.
Classification: Benign for Familial adenomatous polyposis 1. Last evaluated: 2024-04-04. Review status: criteria provided, single submitter. Criteria: Myriad Autosomal Dominant, Autosomal Recessive and X-Linked Classification Criteria (2023). Collection method: clinical testing. Allele origin: unknown.
Comment: This variant is considered benign. This variant is a silent/synonymous amino acid change and it is not expected to impact splicing.

Color Diagnostics, LLC DBA Color Health
Classification: Likely benign for Hereditary cancer-predisposing syndrome. Last evaluated: 2018-12-07. Review status: criteria provided, single submitter. Criteria: ACMG Guidelines, 2015. Collection method: clinical testing. Allele origin: germline.